The following is an entry in ClinVar:

NM_014714.4(IFT140):c.1432+5G>A

Genes: IFT140 (intraflagellar transport 140; minus strand), LOC105371046 (uncharacterized LOC105371046; plus strand). Cytogenetic location: 16p13.3.
Variant type: single nucleotide variant.
Coding change: c.1432+5G>A on transcript NM_014714.4 (MANE Select); 5 bases into the intron after coding-DNA position 1432, G replaced by A.
Molecular consequence: intron variant.
Genome position (GRCh38, 1-based): chr16:1,583,309, C>T on the plus strand (G>A on the coding strand, the complement: IFT140 is on the minus strand). VCF-style: chr16-1583309-C-T. GRCh37 (hg19) VCF-style: chr16-1633310-C-T.
Identifiers: ClinVar variation 1970260 (VCV001970260.4), dbSNP rs773679770, ClinGen allele CA2580090451.

ClinVar aggregate classification (germline): Uncertain significance (1 of 4 stars; one submission).

Conditions:
Saldino-Mainzer syndrome (SRTD9). Also called: Renal dysplasia, retinal pigmentary dystrophy, cerebellar ataxia and skeletal dysplasia; CONORENAL SYNDROME; short-rib thoracic dysplasia 9 with or without polydactyly; SHORT-RIB THORACIC DYSPLASIA 9 WITHOUT POLYDACTYLY. Identifiers: Orphanet 140969, MedGen C1849437, MONDO:0009964, OMIM 266920.

Allele frequency attached by ClinVar (database versions not stated): gnomAD exomes below 0.00001.

Submission:

Labcorp Genetics (formerly Invitae), Labcorp
Classification: Uncertain significance for Saldino-Mainzer syndrome. Last evaluated: 2024-10-24. Review status: criteria provided, single submitter. Criteria: Invitae Variant Classification Sherloc (09022015). Collection method: clinical testing. Allele origin: germline.
Comment: This sequence change falls in intron 12 of the IFT140 gene. It does not directly change the encoded amino acid sequence of the IFT140 protein. It affects a nucleotide within the consensus splice site. This variant is not present in population databases (gnomAD no frequency). This variant has not been reported in the literature in individuals affected with IFT140-related conditions. ClinVar contains an entry for this variant (Variation ID: 1970260). Variants that disrupt the consensus splice site are a relatively common cause of aberrant splicing (PMID: 17576681, 9536098). Algorithms developed to predict the effect of sequence changes on RNA splicing suggest that this variant may disrupt the consensus splice site. In summary, the available evidence is currently insufficient to determine the role of this variant in disease. Therefore, it has been classified as a Variant of Uncertain Significance.

Literature cited by the submitters: PubMed 17576681; PubMed 9536098.